The following is an entry in ClinVar:

ClinVar aggregate classification (germline): Pathogenic/Likely pathogenic. Review status: criteria provided, multiple submitters, no conflicts (2 of 4 stars). 2 submissions from 2 submitters: Pathogenic (1); Likely pathogenic (1). Last evaluated 2026-03-18.

Conditions:
Hereditary cancer-predisposing syndrome. Also called: Hereditary neoplastic syndrome; Neoplastic Syndromes, Hereditary; Hereditary Cancer Syndrome; Tumor predisposition. Identifiers: Orphanet 140162, MedGen C0027672, MeSH D009386, MONDO:0015356.
Pheochromocytoma. Also called: MAX-Related Hereditary Paraganglioma-Pheochromocytoma Syndrome. Identifiers: Orphanet 29072, MedGen C0031511, MONDO:0008233, OMIM 171300, HP:0002666.
Gastrointestinal stromal tumor. Also called: Gastrointestinal stromal tumor, somatic; Gastrointestinal stroma tumor. Identifiers: Orphanet 44890, MedGen C0238198, MeSH D046152, MONDO:0011719, OMIM 606764, HP:0100723.
Pheochromocytoma/paraganglioma syndrome 4. Also called: SDHB-Related Hereditary Paraganglioma-Pheochromocytoma Syndrome; PARAGANGLIOMA, FAMILIAL MALIGNANT; PARAGANGLIOMAS, HEREDITARY EXTRAADRENAL; PHEOCHROMOCYTOMA, FAMILIAL EXTRAADRENAL; Paragangliomas 4; CAROTID BODY TUMORS AND MULTIPLE EXTRAADRENAL PHEOCHROMOCYTOMAS. Identifiers: Orphanet 29072, MedGen C1861848, MONDO:0007273, OMIM 115310.

Submissions (2):

Ambry Genetics
Classification: Pathogenic for Hereditary cancer-predisposing syndrome. Last evaluated: 2026-03-18. Review status: criteria provided, single submitter. Criteria: Ambry Variant Classification Scheme 2023. Collection method: clinical testing. Allele origin: germline.
Comment: The c.785_786insG pathogenic mutation, located in coding exon 8 of the SDHB gene, results from an insertion of one nucleotide at position 785, causing a translational frameshift with a predicted alternate stop codon (p.I263Yfs*12). This variant occurs at the 3' terminus of the gene, is not expected to trigger nonsense-mediated mRNA decay, and impacts the last 7 amino acids of the protein. However, premature stop codons are typically deleterious in nature and the impacted region is critical for protein function (Ambry internal data). This variant was reported in individual(s) with features consistent with SDHB-related hereditary pheochromocytoma-paraganglioma syndrome (Ambry internal data). This variant is considered to be rare based on population cohorts in the Genome Aggregation Database (gnomAD). Based on the supporting evidence, this variant is interpreted as a disease-causing mutation.

Labcorp Genetics (formerly Invitae), Labcorp
Classification: Likely pathogenic for Gastrointestinal stromal tumor; Pheochromocytoma/paraganglioma syndrome 4; Pheochromocytoma. Last evaluated: 2018-05-04. Review status: criteria provided, single submitter. Criteria: Invitae Variant Classification Sherloc (09022015). Collection method: clinical testing. Allele origin: germline.
Comment: This variant is not present in population databases (ExAC no frequency). This sequence change results in a premature translational stop signal in the SDHB gene (p.Ile263Tyrfs*12). While this is not anticipated to result in nonsense mediated decay, it is expected to disrupt the last 18 amino acids of the SDHB protein. This variant has been observed in two individuals in a family that are affected with renal cell carcinoma (Invitae). A different variant with a similar protein effect (p.Ile263Serfs*13) has also been observed in individuals with paraganglioma or pheochromocytoma (Invitae). In summary, the currently available evidence indicates that the variant is pathogenic, but additional data are needed to prove that conclusively. Therefore, this variant has been classified as Likely Pathogenic. Experimental studies and prediction algorithms are not available for this variant, and the functional significance of the disrupted amino acids is currently unknown.

NM_003000.3(SDHB):c.785_786insG (p.Ile263fs)

Gene: SDHB (succinate dehydrogenase complex iron sulfur subunit B; minus strand). Cytogenetic location: 1p36.13.
Variant type: Insertion.
Coding change: c.785_786insG on transcript NM_003000.3 (MANE Select); coding-DNA positions 785 to 786, G inserted.
Protein change: p.Ile263fs; shifts the reading frame from isoleucine 263.
Molecular consequence: frameshift variant.
Genome position: GRCh38 VCF-style: chr1-17018938-A-AC. GRCh37 (hg19) VCF-style: chr1-17345433-A-AC.
Other names: short protein forms I263fs.
Identifiers: ClinVar variation 528748 (VCV000528748.5), dbSNP rs1553176979, ClinGen allele CA658795401.